The following is an entry in ClinVar:

NM_001130438.3(SPTAN1):c.4993CAG[1] (p.Gln1666del)

Gene: SPTAN1 (spectrin alpha, non-erythrocytic 1; plus strand). Cytogenetic location: 9q34.11.
Variant type: Microsatellite.
Coding change: c.4993CAG[1] on transcript NM_001130438.3 (MANE Select); one copy of the 3-base unit CAG starting at c.4993; the reference has two copies in a row; one copy, 3 bases deleted.
Protein change: p.Gln1666del; deletes glutamine 1666.
Genome position (GRCh38, 1-based): chr9:128,612,199-128,612,201, CAG deleted; deleting any 3 consecutive bases within chr9:128,612,194-128,612,201 gives the same sequence; the position shown is the placement nearest the transcript's 3' end. VCF-style (leftmost placement, unchanged base first): chr9-128612193-AAGC-A. GRCh37 (hg19) VCF-style: chr9-131374472-AAGC-A.
Other names: c.4993CAG[1], p.Gln1666del (NM_001375311.2, NM_001375313.1, NM_001363759.2 and 1 more transcripts); c.5029CAG[1], p.Gln1678del (NM_001375312.2, NM_001375318.1); c.4933CAG[1], p.Gln1646del (NM_001375314.2, NM_001363765.2); c.4978CAG[1], p.Gln1661del (NM_003127.4); c.4918CAG[1], p.Gln1641del (NM_001195532.2); short protein forms Q1641del, Q1646del, Q1661del, Q1666del, Q1678del.
Identifiers: ClinVar variation 3365765 (VCV003365765.1).

ClinVar aggregate classification (germline): Uncertain significance (1 of 4 stars; one submission).

Submission:

GeneDx
Classification: Uncertain significance. Last evaluated: 2023-12-20. Review status: criteria provided, single submitter. Criteria: GeneDx Variant Classification Process June 2021. Collection method: clinical testing. Allele origin: germline. Affected: yes.
Comment: Not observed at significant frequency in large population cohorts (gnomAD); In-frame deletion of 1 amino acids in a non-repeat region; In silico analysis supports a deleterious effect on protein structure/function; Has not been previously published as pathogenic or benign to our knowledge